The following is an entry in ClinVar:

ClinVar aggregate classification (germline): Uncertain significance. Review status: criteria provided, single submitter (1 of 4 stars). 2 submissions from 2 submitters: Uncertain significance (1). 1 of the submissions does not count toward it. Last evaluated 2025-08-09.

Conditions:
CHD1-related disorder. Also called: CHD1-related condition.

Allele frequency attached by ClinVar (database versions not stated): gnomAD exomes 0.00010; ExAC 0.00041; 1000 Genomes Project 30x 0.00078; 1000 Genomes Project 0.00100; gnomAD 0.00137; ESP Exome Variant Server 0.00154; TOPMed 0.00182.
gnomAD v4.1: 345 of 1,557,282 alleles (0.022%); highest among the groups gnomAD compares: African/African-American, 0.42%; 1 homozygote.

Submissions (2):

Ambry Genetics
Classification: Uncertain significance. Last evaluated: 2025-08-09. Review status: criteria provided, single submitter. Criteria: Ambry Variant Classification Scheme 2023. Collection method: clinical testing. Allele origin: germline.

PreventionGenetics, part of Exact Sciences
Classification: Likely benign for CHD1-related condition. Last evaluated: 2019-08-09. Review status: no assertion criteria provided. Collection method: clinical testing. Allele origin: germline. Not counted in ClinVar's aggregate classification.
Comment: This variant is classified as likely benign based on ACMG/AMP sequence variant interpretation guidelines (Richards et al. 2015 PMID: 25741868, with internal and published modifications).

NM_001270.4(CHD1):c.4562T>C (p.Val1521Ala)

Gene: CHD1 (chromodomain helicase DNA binding protein 1; minus strand). Cytogenetic location: 5q15.
Variant type: single nucleotide variant.
Coding change: c.4562T>C on transcript NM_001270.4 (MANE Select); coding-DNA position 4562, T replaced by C.
Protein change: p.Val1521Ala; replaces valine 1521 with alanine.
Molecular consequence: missense variant. On other transcripts: non-coding transcript variant (2).
Genome position (GRCh38, 1-based): chr5:98,858,978, A>G on the plus strand (T>C on the coding strand, the complement: CHD1 is on the minus strand). VCF-style: chr5-98858978-A-G. GRCh37 (hg19) VCF-style: chr5-98194682-A-G.
Other names: c.4826T>C, p.Val1609Ala (NM_001364113.3); c.4562T>C, p.Val1521Ala (NM_001376194.2); short protein forms V1521A, V1609A.
Identifiers: ClinVar variation 3035532 (VCV003035532.3), dbSNP rs141802026, ClinGen allele CA3355644.
Genomic context (GRCh38, chr5:98,858,978, plus strand): 5'-AAAAATTTTTTTTAATTTATTTTCCCAATCAGTAAGGCTTACATACCTGGATTTCTAATC[A>G]CGTGAGGATTCAAGTTGCTGTTTTGATCACTGTTTTGCTAAAATAAATGCACACGTGTTA-3'
Protein context (NP_001261.2, residues 1511-1531): SDQNSNLNPH[Val1521Ala]IRNPDVERLK